The following is an entry in ClinVar:

ClinVar aggregate classification (germline): Uncertain significance (1 of 4 stars; one submission).

Submission:

Labcorp Genetics (formerly Invitae), Labcorp
Classification: Uncertain significance. Last evaluated: 2022-03-10. Review status: criteria provided, single submitter. Criteria: Invitae Variant Classification Sherloc (09022015). Collection method: clinical testing. Allele origin: germline.
Comment: This variant is not present in population databases (gnomAD no frequency). This sequence change replaces arginine, which is basic and polar, with leucine, which is neutral and non-polar, at codon 1172 of the LRP5 protein (p.Arg1172Leu). This variant has not been reported in the literature in individuals affected with LRP5-related conditions. In summary, the available evidence is currently insufficient to determine the role of this variant in disease. Therefore, it has been classified as a Variant of Uncertain Significance. Advanced modeling of protein sequence and biophysical properties (such as structural, functional, and spatial information, amino acid conservation, physicochemical variation, residue mobility, and thermodynamic stability) performed at Invitae indicates that this missense variant is not expected to disrupt LRP5 protein function.

NM_002335.4(LRP5):c.3515G>T (p.Arg1172Leu)

Gene: LRP5 (LDL receptor related protein 5; plus strand). Cytogenetic location: 11q13.2.
Variant type: single nucleotide variant.
Coding change: c.3515G>T on transcript NM_002335.4 (MANE Select); coding-DNA position 3515, G replaced by T.
Protein change: p.Arg1172Leu; replaces arginine 1172 with leucine.
Molecular consequence: missense variant.
Genome position (GRCh38, 1-based): chr11:68,426,065, G>T. VCF-style: chr11-68426065-G-T. GRCh37 (hg19) VCF-style: chr11-68193533-G-T.
Other names: c.1772G>T, p.Arg591Leu (NM_001291902.2); short protein forms R1172L, R591L.
Identifiers: ClinVar variation 1517971 (VCV001517971.8), dbSNP rs751672886, ClinGen allele CA381621852.
Genomic context (GRCh38, chr11:68,426,065, plus strand): 5'-CCAACATCGTGCAGCCTCTGGGCCTGACCATCCTTGGCAAGCATCTCTACTGGATCGACC[G>T]CCAGCAGCAGATGATCGAGCGTGTGGAGAAGACCACCGGGGACAAGCGGACTCGCATCCA-3'
Protein context (NP_002326.2, residues 1162-1182): ILGKHLYWID[Arg1172Leu]QQQMIERVEK